The following is an entry in ClinVar:

NM_000051.4(ATM):c.6372C>G (p.Tyr2124Ter)

Genes: ATM (ATM serine/threonine kinase; plus strand), C11orf65 (chromosome 11 open reading frame 65; minus strand). Cytogenetic location: 11q22.3.
Variant type: single nucleotide variant.
Coding change: c.6372C>G on transcript NM_000051.4 (MANE Select); coding-DNA position 6372, C replaced by G.
Protein change: p.Tyr2124Ter; replaces tyrosine 2124 with a stop codon.
Molecular consequence: nonsense. On other transcripts: intron variant (2).
Genome position (GRCh38, 1-based): chr11:108,319,978, C>G. VCF-style: chr11-108319978-C-G. GRCh37 (hg19) VCF-style: chr11-108190705-C-G.
Other names: NM_000051.4(ATM):c.6372C>G; p.Tyr2124Ter; c.641-10907G>C (NM_001330368.2); c.*39-10907G>C (NM_001351110.2); c.6372C>G, p.Tyr2124Ter (NM_001351834.2); short protein forms Y2124*.
Identifiers: ClinVar variation 1713223 (VCV001713223.10), dbSNP rs904589402, ClinGen allele CA228405673.

ClinVar aggregate classification (germline): Pathogenic. Review status: reviewed by expert panel (3 of 4 stars). 4 submissions from 4 submitters: Pathogenic (1). 3 of the submissions do not count toward it. Last evaluated 2024-01-25.

Conditions:
Breast and/or ovarian cancer. Identifiers: MedGen CN221562.
ATM-related cancer predisposition. Also called: ATM-related cancer susceptibility. Identifiers: MedGen CN377759, MONDO:0700270.
Familial cancer of breast. Also called: Hereditary breast cancer; hereditary breast carcinoma; BREAST CANCER, FAMILIAL. Identifiers: Orphanet 227535, MedGen C0346153, MONDO:0016419, OMIM 114480. Disease mechanism: loss of function.
Ataxia-telangiectasia syndrome (AT). Also called: Ataxia telangiectasia (A-T); LOUIS-BAR SYNDROME; Cerebello-oculocutaneous telangiectasia; Immunodeficiency with ataxia telangiectasia; Ataxia-telangiectasia, complementation group D; AT, COMPLEMENTATION GROUP C. Identifiers: Orphanet 100, MedGen C0004135, MONDO:0008840, OMIM 208900.

gnomAD v4.1: 1 of 1,612,306 alleles (0.000062%); highest among the groups gnomAD compares: Middle Eastern, 0.017%; no homozygotes.

Submissions (4):

ClinGen Hereditary Breast, Ovarian and Pancreatic Cancer Variant Curation Expert Panel, ClinGen
Classification: Pathogenic for ATM-related cancer predisposition. Last evaluated: 2024-01-25. Review status: reviewed by expert panel. Criteria: ClinGen HBOP ACMG Specifications ATM V1.2.0. Collection method: curation. Allele origin: germline. Inheritance: Autosomal dominant inheritance.
Comment: The c.6372C>G (p.Tyr2124Ter) variant in ATM is a nonsense variant predicted to cause a premature stop codon leading to nonsense mediated decay in a gene in which loss-of-function is an established disease mechanism. This alteration results in a termination codon upstream of the most C-terminus pathogenic alteration (ATM p.Arg3047*), as classified by the HBOP VCEP, and is expected to be more deleterious. This variant was observed in an individual with Ataxia-Telangiectasia (PMID:26896183), and is absent from gnomAD v2.1.1. In summary, this variant meets criteria to be classified as pathogenic for autosomal dominant hereditary breast cancer and autosomal recessive Ataxia-Telangiectasia based on the ACMG/AMP criteria applied, as specified by the HBOP VCEP. (PVS1, PM2_Supporting, PM3, PM5_Supporting)

Labcorp Genetics (formerly Invitae), Labcorp
Classification: Pathogenic for Ataxia-telangiectasia syndrome. Last evaluated: 2025-09-27. Review status: criteria provided, single submitter. Criteria: Invitae Variant Classification Sherloc (09022015). Collection method: clinical testing. Allele origin: germline. Not counted in ClinVar's aggregate classification.
Comment: This sequence change creates a premature translational stop signal (p.Tyr2124*) in the ATM gene. It is expected to result in an absent or disrupted protein product. Loss-of-function variants in ATM are known to be pathogenic (PMID: 23807571, 25614872). This variant is not present in population databases (gnomAD no frequency). This premature translational stop signal has been observed in individual(s) with ataxia telangiectasia (PMID: 26896183). ClinVar contains an entry for this variant (Variation ID: 1713223). Algorithms developed to predict the effect of sequence changes on RNA splicing suggest that this variant may disrupt the consensus splice site. For these reasons, this variant has been classified as Pathogenic.

CHEO Genetics Diagnostic Laboratory, Children's Hospital of Eastern Ontario
Classification: Likely pathogenic for Breast and/or ovarian cancer. Last evaluated: 2021-08-17. Review status: criteria provided, single submitter. Criteria: ACMG Guidelines, 2015. Collection method: clinical testing. Allele origin: germline. Not counted in ClinVar's aggregate classification.

BRCAlab, Lund University
Classification: Pathogenic for Familial cancer of breast. Last evaluated: 2022-08-26. Review status: no assertion criteria provided. Collection method: clinical testing. Allele origin: germline. Affected: yes. Not counted in ClinVar's aggregate classification.

Literature cited by the submitters: PubMed 23807571 (cited by Labcorp Genetics (formerly Invitae), Labcorp); PubMed 25614872 (cited by Labcorp Genetics (formerly Invitae), Labcorp); PubMed 26896183 (cited by Labcorp Genetics (formerly Invitae), Labcorp).